The following is an entry in ClinVar:

NM_017617.5(NOTCH1):c.2551G>C (p.Glu851Gln)

Gene: NOTCH1 (notch receptor 1; minus strand). Cytogenetic location: 9q34.3.
Variant type: single nucleotide variant.
Coding change: c.2551G>C on transcript NM_017617.5 (MANE Select); coding-DNA position 2551, G replaced by C.
Protein change: p.Glu851Gln; replaces glutamic acid 851 with glutamine.
Molecular consequence: missense variant.
Genome position (GRCh38, 1-based): chr9:136,511,188, C>G on the plus strand (G>C on the coding strand, the complement: NOTCH1 is on the minus strand). VCF-style: chr9-136511188-C-G. GRCh37 (hg19) VCF-style: chr9-139405640-C-G.
Other names: short protein forms E851Q.
Identifiers: ClinVar variation 3632261 (VCV003632261.2).

ClinVar aggregate classification (germline): Uncertain significance (1 of 4 stars; one submission).

Conditions:
Adams-Oliver syndrome 5 (AOS5). Identifiers: Orphanet 974, MedGen C4014970, MONDO:0014459, OMIM 616028.

Submission:

Labcorp Genetics (formerly Invitae), Labcorp
Classification: Uncertain significance for Adams-Oliver syndrome 5. Last evaluated: 2024-10-30. Review status: criteria provided, single submitter. Criteria: Invitae Variant Classification Sherloc (09022015). Collection method: clinical testing. Allele origin: germline.
Comment: This sequence change replaces glutamic acid, which is acidic and polar, with glutamine, which is neutral and polar, at codon 851 of the NOTCH1 protein (p.Glu851Gln). This variant is not present in population databases (gnomAD no frequency). This missense change has been observed in individual(s) with bicuspid aortic valve (PMID: 31330235). Invitae Evidence Modeling of protein sequence and biophysical properties (such as structural, functional, and spatial information, amino acid conservation, physicochemical variation, residue mobility, and thermodynamic stability) indicates that this missense variant is not expected to disrupt NOTCH1 protein function with a negative predictive value of 95%. In summary, the available evidence is currently insufficient to determine the role of this variant in disease. Therefore, it has been classified as a Variant of Uncertain Significance.

Literature cited by the submitters: PubMed 31330235.